The following is an entry in ClinVar:

ClinVar aggregate classification (germline): Uncertain significance (1 of 4 stars; one submission).

Conditions:
Propionic acidemia (PROP). Also called: KETOTIC HYPERGLYCINEMIA; GLYCINEMIA, KETOTIC; HYPERGLYCINEMIA WITH KETOACIDOSIS AND LEUKOPENIA. Identifiers: Orphanet 35, MedGen C0268579, MONDO:0011628, OMIM 606054, HP:0003571.

Allele frequency attached by ClinVar (database versions not stated): gnomAD exomes 0.00001; TOPMed 0.00001; ExAC 0.00002; gnomAD 0.00002.
gnomAD v4.1: 24 of 1,614,022 alleles (0.0015%); highest among the groups gnomAD compares: South Asian, 0.026%; no homozygotes.

Submission:

Labcorp Genetics (formerly Invitae), Labcorp
Classification: Uncertain significance for Propionic acidemia. Last evaluated: 2021-09-24. Review status: criteria provided, single submitter. Criteria: Invitae Variant Classification Sherloc (09022015). Collection method: clinical testing. Allele origin: germline.
Comment: This sequence change replaces serine with asparagine at codon 659 of the PCCA protein (p.Ser659Asn). The serine residue is highly conserved and there is a small physicochemical difference between serine and asparagine. This variant is present in population databases (rs764651081, ExAC 0.01%). This variant has not been reported in the literature in individuals with PCCA-related conditions. Algorithms developed to predict the effect of missense changes on protein structure and function are either unavailable or do not agree on the potential impact of this missense change (SIFT: "Deleterious"; PolyPhen-2: "Benign"; Align-GVGD: "Class C45"). In summary, the available evidence is currently insufficient to determine the role of this variant in disease. Therefore, it has been classified as a Variant of Uncertain Significance.

NM_000282.4(PCCA):c.1976G>A (p.Ser659Asn)

Gene: PCCA (propionyl-CoA carboxylase subunit alpha; plus strand). Cytogenetic location: 13q32.3.
Variant type: single nucleotide variant.
Coding change: c.1976G>A on transcript NM_000282.4 (MANE Select); coding-DNA position 1976, G replaced by A.
Protein change: p.Ser659Asn; replaces serine 659 with asparagine.
Molecular consequence: missense variant. On other transcripts: non-coding transcript variant (4), intron variant (2).
Genome position (GRCh38, 1-based): chr13:100,515,503, G>A. VCF-style: chr13-100515503-G-A. GRCh37 (hg19) VCF-style: chr13-101167757-G-A.
Other names: c.1898G>A, p.Ser633Asn (NM_001127692.3); c.1922G>A, p.Ser641Asn (NM_001352605.2); c.1832G>A, p.Ser611Asn (NM_001352606.2); c.1754G>A, p.Ser585Asn (NM_001352608.2); c.1031G>A, p.Ser344Asn (NM_001352610.2); c.977G>A, p.Ser326Asn (NM_001352611.2); c.887G>A, p.Ser296Asn (NM_001352612.2); c.1900-12172G>A (NM_001178004.2); and 1 more; short protein forms S641N, S326N, S633N, S296N, S344N, S659N, S585N, S611N.
Identifiers: ClinVar variation 1351826 (VCV001351826.5), dbSNP rs764651081, ClinGen allele CA7033856.